The following is an entry in ClinVar:

NM_006329.4(FBLN5):c.1185+6_1185+12del

Gene: FBLN5 (fibulin 5; minus strand). Cytogenetic location: 14q32.12.
Variant type: Deletion.
Coding change: c.1185+6_1185+12del on transcript NM_006329.4 (MANE Select); bases 6 to 12 of the intron after coding-DNA position 1185, 7 bases deleted (AGGGAGT; older notation c.1185+6_1185+12delAGGGAGT).
Molecular consequence: intron variant.
Genome position (GRCh38, 1-based): chr14:91,877,475-91,877,481, ACTCCCT deleted on the plus strand (AGGGAGT on the coding strand, the reverse complement: FBLN5 is on the minus strand). VCF-style (leftmost placement, unchanged base first): chr14-91877474-CACTCCCT-C. GRCh37 (hg19) VCF-style: chr14-92343818-CACTCCCT-C.
Other names: c.1185+6_1185+12del (NM_001384160.1); c.1308+6_1308+12del (NM_001384158.1); c.1017+6_1017+12del (NM_001384162.1, NM_001384161.1); c.1236+6_1236+12del (NM_001384159.1).
Identifiers: ClinVar variation 1439713 (VCV001439713.6), dbSNP rs1257539756, ClinGen allele CA615752346.

ClinVar aggregate classification (germline): Uncertain significance (1 of 4 stars; one submission).

Allele frequency attached by ClinVar (database versions not stated): gnomAD exomes below 0.00001 and 0.00001; gnomAD 0.00002; TOPMed 0.00003.

Submission:

Labcorp Genetics (formerly Invitae), Labcorp
Classification: Uncertain significance. Last evaluated: 2025-11-05. Review status: criteria provided, single submitter. Criteria: Invitae Variant Classification Sherloc (09022015). Collection method: clinical testing. Allele origin: germline.
Comment: This sequence change falls in intron 10 of the FBLN5 gene. It does not directly change the encoded amino acid sequence of the FBLN5 protein. It affects a nucleotide within the consensus splice site. This variant is present in population databases (no rsID available, gnomAD 0.003%). This variant has not been reported in the literature in individuals affected with FBLN5-related conditions. ClinVar contains an entry for this variant (Variation ID: 1439713). Variants that disrupt the consensus splice site are a relatively common cause of aberrant splicing (PMID: 17576681, 9536098). Algorithms developed to predict the effect of sequence changes on RNA splicing suggest that this variant may disrupt the consensus splice site. In summary, the available evidence is currently insufficient to determine the role of this variant in disease. Therefore, it has been classified as a Variant of Uncertain Significance.

Literature cited by the submitters: PubMed 17576681; PubMed 9536098.